The following is an entry in ClinVar:

ClinVar aggregate classification (germline): Likely benign. Review status: criteria provided, single submitter (1 of 4 stars). 2 submissions from 2 submitters: Likely benign (1). 1 of the submissions does not count toward it. Last evaluated 2022-06-29.

Conditions:
PKD1-related disorder. Also called: PKD1-related condition.
Polycystic kidney disease, adult type (PKD1). Also called: Polycystic Kidney, Autosomal Dominant; POLYCYSTIC KIDNEY DISEASE 1 WITH OR WITHOUT POLYCYSTIC LIVER DISEASE; Polycystic Kidney Disease 1, Autosomal Dominant; Polycystic kidney disease 1; Polycystic kidney disease 1, severe; POLYCYSTIC KIDNEY DISEASE, ADULT, TYPE I. Identifiers: MedGen C3149841, MONDO:0008263, OMIM 173900.

Allele frequency attached by ClinVar (database versions not stated): TOPMed 0.00001.
gnomAD v4.1: 6 of 1,610,200 alleles (0.00037%); highest among the groups gnomAD compares: Non-Finnish European, 0.00042%; no homozygotes.

Submissions (2):

Department of Pathology and Laboratory Medicine, Sinai Health System
Classification: Likely benign for Polycystic kidney disease, adult type. Last evaluated: 2022-06-29. Review status: criteria provided, single submitter. Criteria: ACMG Guidelines, 2015. Collection method: clinical testing. Allele origin: germline.

PreventionGenetics, part of Exact Sciences
Classification: Likely benign for PKD1-related condition. Last evaluated: 2022-06-01. Review status: no assertion criteria provided. Collection method: clinical testing. Allele origin: germline. Not counted in ClinVar's aggregate classification.
Comment: This variant is classified as likely benign based on ACMG/AMP sequence variant interpretation guidelines (Richards et al. 2015 PMID: 25741868, with internal and published modifications).

NM_001009944.3(PKD1):c.4456C>T (p.Leu1486=)

Gene: PKD1 (polycystin 1, transient receptor potential channel interacting; minus strand). Cytogenetic location: 16p13.3.
Variant type: single nucleotide variant.
Coding change: c.4456C>T on transcript NM_001009944.3 (MANE Select); coding-DNA position 4456, C replaced by T.
Protein change: p.Leu1486=; no amino-acid change (leucine 1486 retained).
Molecular consequence: synonymous variant.
Genome position (GRCh38, 1-based): chr16:2,110,711, G>A on the plus strand (C>T on the coding strand, the complement: PKD1 is on the minus strand). VCF-style: chr16-2110711-G-A. GRCh37 (hg19) VCF-style: chr16-2160712-G-A.
Other names: c.4456C>T, p.Leu1486= (NM_000296.4).
Identifiers: ClinVar variation 3051991 (VCV003051991.3), dbSNP rs1327407759, ClinGen allele CA493048776.